The following is an entry in ClinVar:

NM_212502.3(CDK18):c.759C>T (p.Leu253=)

Gene: CDK18 (cyclin dependent kinase 18; plus strand). Cytogenetic location: 1q32.1.
Variant type: single nucleotide variant.
Coding change: c.759C>T on transcript NM_212502.3 (MANE Select); coding-DNA position 759, C replaced by T.
Protein change: p.Leu253=; no amino-acid change (leucine 253 retained).
Molecular consequence: synonymous variant.
Genome position (GRCh38, 1-based): chr1:205,527,823, C>T. VCF-style: chr1-205527823-C-T. GRCh37 (hg19) VCF-style: chr1-205496951-C-T.
Other names: c.759C>T, p.Leu253= (NM_002596.4); c.849C>T, p.Leu283= (NM_212503.3).
Identifiers: ClinVar variation 2639854 (VCV002639854.24), dbSNP rs139419406, ClinGen allele CA1355114.
Genomic context (GRCh38, chr1:205,527,823, plus strand): 5'-CCACCCCACATTTCTCTTCCCCCTCCCCCAGATTTTCATGTTCCAGCTGCTCCGGGGCCT[C>T]GCCTACTGTCACCACCGCAAGATCCTGCACCGGGACCTGAAGCCCCAGAACCTGCTCATC-3'
Protein context (NP_997667.1, residues 243-263): KIFMFQLLRG[Leu253=]AYCHHRKILH

ClinVar aggregate classification (germline): Likely benign (1 of 4 stars; one submission).

Allele frequency attached by ClinVar (database versions not stated): ExAC 0.00030; gnomAD 0.00048; ESP Exome Variant Server 0.00062; TOPMed 0.00063; gnomAD exomes 0.00065.
gnomAD v4.1: 1,039 of 1,613,832 alleles (0.064%); highest among the groups gnomAD compares: Non-Finnish European, 0.076%; 2 homozygotes.

Submission:

CeGaT Center for Human Genetics Tuebingen
Classification: Likely benign. Last evaluated: 2023-01-01. Review status: criteria provided, single submitter. Criteria: CeGaT Center For Human Genetics Tuebingen Variant Classification Criteria Version 2. Collection method: clinical testing. Allele origin: germline. Affected: yes. Observed: 1 variant allele.
Comment: CDK18: BP4, BP7